The following is an entry in ClinVar:

ClinVar aggregate classification (germline): Uncertain significance. Review status: criteria provided, multiple submitters, no conflicts (2 of 4 stars). 3 submissions from 3 submitters: Uncertain significance (3). Last evaluated 2024-01-09.

Conditions:
Inborn genetic diseases. Identifiers: MedGen C0950123, MeSH D030342.
Autosomal recessive nonsyndromic hearing loss 59. Identifiers: Orphanet 90636, MedGen C1857744, MONDO:0012445, OMIM 610220.

Allele frequency attached by ClinVar (database versions not stated): ExAC 0.00003; gnomAD 0.00003 and 0.00004; gnomAD exomes 0.00003 and 0.00005; TOPMed 0.00003; ESP Exome Variant Server 0.00008.
gnomAD v4.1: 77 of 1,613,986 alleles (0.0048%); highest among the groups gnomAD compares: Non-Finnish European, 0.0059%; no homozygotes.

Submissions (3):

Ambry Genetics
Classification: Uncertain significance for Inborn genetic diseases. Last evaluated: 2024-01-09. Review status: criteria provided, single submitter. Criteria: Ambry Variant Classification Scheme 2023. Collection method: clinical testing. Allele origin: germline.

Illumina Laboratory Services, Illumina
Classification: Uncertain significance for Autosomal recessive nonsyndromic hearing loss 59. Last evaluated: 2018-01-13. Review status: criteria provided, single submitter. Criteria: ICSL Variant Classification Criteria 13 December 2019. Collection method: clinical testing. Allele origin: germline.

Laboratory for Molecular Medicine, Mass General Brigham Personalized Medicine
Classification: Uncertain significance. Last evaluated: 2012-12-28. Review status: criteria provided, single submitter. Criteria: LMM Criteria. Collection method: clinical testing. Allele origin: germline. Observed: 1 variant allele.
Comment: The Arg146His variant in DFNB59 has not been reported in the literature nor prev iously identified by our laboratory. Computational analyses (biochemical amino a cid properties, conservation, AlignGVGD, PolyPhen2, and SIFT) suggest that the A rg146His variant may not impact the protein and several species (chicken and wes tern clawed frog) carry a histidine (His) as this position; however, this inform ation is not predictive enough to rule out pathogenicity. This variant has been identified in 0.01% (1/8306) of European American chromosomes in a broad populat ion by the NHLBI Exome sequencing project. A lthough this variant has been seen in the general population, its frequency is n ot high enough to rule out a pathogenic role. In summary, additional data is nee ded to determine the clinical significance of this variant.

NM_001042702.5(PJVK):c.437G>A (p.Arg146His)

Gene: PJVK (pejvakin; plus strand). Cytogenetic location: 2q31.2.
Variant type: single nucleotide variant.
Coding change: c.437G>A on transcript NM_001042702.5 (MANE Select); coding-DNA position 437, G replaced by A.
Protein change: p.Arg146His; replaces arginine 146 with histidine.
Molecular consequence: missense variant. On other transcripts: 5 prime UTR variant (2).
Genome position (GRCh38, 1-based): chr2:178,456,039, G>A. VCF-style: chr2-178456039-G-A. GRCh37 (hg19) VCF-style: chr2-179320766-G-A.
Other names: c.446G>A, p.Arg149His (NM_001353775.2); c.542G>A, p.Arg181His (NM_001353776.2); c.-41G>A (NM_001353777.1, NM_001353778.2); c.437G>A, p.Arg146His (NM_001369912.1); short protein forms R146H, R149H, R181H.
Identifiers: ClinVar variation 43868 (VCV000043868.9), dbSNP rs369805509, ClinGen allele CA133058.